The following is an entry in ClinVar:

ClinVar aggregate classification (germline): Uncertain significance (1 of 4 stars; one submission).

Allele frequency attached by ClinVar (database versions not stated): TOPMed below 0.00001; ExAC 0.00001; gnomAD 0.00001; gnomAD exomes 0.00001; 1000 Genomes Project 30x 0.00016; 1000 Genomes Project 0.00020.
gnomAD v4.1: 7 of 1,612,824 alleles (0.00043%); highest among the groups gnomAD compares: South Asian, 0.0044%; no homozygotes.

Submission:

Labcorp Genetics (formerly Invitae), Labcorp
Classification: Uncertain significance. Last evaluated: 2021-12-10. Review status: criteria provided, single submitter. Criteria: Invitae Variant Classification Sherloc (09022015). Collection method: clinical testing. Allele origin: germline.
Comment: In summary, the available evidence is currently insufficient to determine the role of this variant in disease. Therefore, it has been classified as a Variant of Uncertain Significance. Algorithms developed to predict the effect of missense changes on protein structure and function output the following: SIFT: "Tolerated"; PolyPhen-2: "Benign"; Align-GVGD: "Class C0". The threonine amino acid residue is found in multiple mammalian species, which suggests that this missense change does not adversely affect protein function. This variant has not been reported in the literature in individuals affected with TMEM126B-related conditions. This variant is present in population databases (rs547778179, gnomAD 0.005%). This sequence change replaces isoleucine, which is neutral and non-polar, with threonine, which is neutral and polar, at codon 54 of the TMEM126B protein (p.Ile54Thr).

NM_018480.7(TMEM126B):c.161T>C (p.Ile54Thr)

Gene: TMEM126B (transmembrane protein 126B; plus strand). Cytogenetic location: 11q14.1.
Variant type: single nucleotide variant.
Coding change: c.161T>C on transcript NM_018480.7 (MANE Select); coding-DNA position 161, T replaced by C.
Protein change: p.Ile54Thr; replaces isoleucine 54 with threonine.
Molecular consequence: missense variant. On other transcripts: non-coding transcript variant (2), intron variant (2).
Genome position (GRCh38, 1-based): chr11:85,631,766, T>C. VCF-style: chr11-85631766-T-C. GRCh37 (hg19) VCF-style: chr11-85342810-T-C.
Other names: c.101T>C, p.Ile34Thr (NM_001193537.3, NM_001350395.2); c.71T>C, p.Ile24Thr (NM_001193538.3, NM_001256546.2, NM_001350396.2); c.161T>C, p.Ile54Thr (NM_001350394.2); c.66-2320T>C (NM_001256547.2); c.82-2320T>C (NM_001350393.1); short protein forms I24T, I54T, I34T.
Identifiers: ClinVar variation 2037841 (VCV002037841.4), dbSNP rs547778179, ClinGen allele CA6212380.